The following is an entry in ClinVar:

NM_004006.3(DMD):c.3777G>A (p.Lys1259=)

Gene: DMD (dystrophin; minus strand). Cytogenetic location: Xp21.1.
Variant type: single nucleotide variant.
Coding change: c.3777G>A on transcript NM_004006.3 (MANE Select); coding-DNA position 3777, G replaced by A.
Protein change: p.Lys1259=; no amino-acid change (lysine 1259 retained).
Molecular consequence: synonymous variant.
Genome position (GRCh38, 1-based): chrX:32,448,465, C>T on the plus strand (G>A on the coding strand, the complement: DMD is on the minus strand). VCF-style: chrX-32448465-C-T. GRCh37 (hg19) VCF-style: chrX-32466582-C-T.
Other names: c.3753G>A, p.Lys1251= (NM_000109.4); c.3765G>A, p.Lys1255= (NM_004009.3); c.3408G>A, p.Lys1136= (NM_004010.3); c.3777G>A (NM_004006.2).
Identifiers: ClinVar variation 1134344 (VCV001134344.12), dbSNP rs1445951268, ClinGen allele CA515714947.
Genomic context (GRCh38, chrX:32,448,465, plus strand): 5'-TATGACCATGTATTGACATATCATTGACAAAGACCAAGAAAAGCAACTGACTTCCAAAGT[C>T]TTGCATTTCCCATTCAGCCTAGTGCAGAGCCACTGGTAGTTGGTGGTTAGAGTTTCAAGT-3'
Protein context (NP_003997.2, residues 1249-1269): WLCTRLNGKC[Lys1259=]TLEEVWACWH

ClinVar aggregate classification (germline): Conflicting classifications of pathogenicity. Review status: criteria provided, conflicting classifications (1 of 4 stars). 3 submissions from 3 submitters: Uncertain significance (1); Likely benign (1). 1 of the submissions does not count toward it. Last evaluated 2025-12-20.

Conditions:
Cardiovascular phenotype. Identifiers: MedGen CN230736.
Dystrophin deficiency.
Becker muscular dystrophy (BMD). Also called: MUSCULAR DYSTROPHY, PSEUDOHYPERTROPHIC PROGRESSIVE, BECKER TYPE; Becker Muscular Dystrophy (BMD). Identifiers: Orphanet 98895, MedGen C0917713, MONDO:0010311, OMIM 300376.
Duchenne muscular dystrophy (DMD). Also called: Duchenne Muscular Dystrophy (DMD); MUSCULAR DYSTROPHY, PSEUDOHYPERTROPHIC PROGRESSIVE, DUCHENNE TYPE. Identifiers: Orphanet 98896, MedGen C0013264, MONDO:0010679, OMIM 310200.
Cardiomyopathy (CMYO). Also called: Cardiomyopathies. Identifiers: Orphanet 167848, MedGen C0878544, MONDO:0004994, HP:0001638. Inheritance: Various modes of inheritance.

Allele frequency attached by ClinVar (database versions not stated): gnomAD exomes below 0.00001 and 0.00001.
gnomAD v4.1: 4 of 1,208,170 alleles (0.00033%); highest among the groups gnomAD compares: Non-Finnish European, 0.00045%; no homozygotes.

Submissions (3):

Labcorp Genetics (formerly Invitae), Labcorp
Classification: Likely benign for Duchenne muscular dystrophy. Last evaluated: 2025-12-20. Review status: criteria provided, single submitter. Criteria: Invitae Variant Classification Sherloc (09022015). Collection method: clinical testing. Allele origin: germline.

Ambry Genetics
Classification: Uncertain significance for Cardiovascular phenotype. Last evaluated: 2023-07-06. Review status: criteria provided, single submitter. Criteria: Ambry Variant Classification Scheme 2023. Collection method: clinical testing. Allele origin: germline.
Comment: The c.3777G>A variant (also known as p.K1259K), located in coding exon 27 of the DMD gene, results from a G to A substitution at nucleotide position 3777. This nucleotide substitution does not change the lysine at codon 1259. Based on data from gnomAD, the A allele has an overall frequency of 0.0005% (1/182179) total alleles studied, with 1 hemizygote observed. The highest observed frequency was 0.0012% (1/81022) of European (non-Finnish) alleles. This nucleotide position is not well conserved in available vertebrate species. In silico splice site analysis for this alteration is inconclusive. Since supporting evidence is limited at this time, the clinical significance of this alteration remains unclear.

Natera, Inc.
Classification: Likely benign for Becker muscular dystrophy; Cardiomyopathy; Duchenne muscular dystrophy; Dystrophin deficiency. Last evaluated: 2018-12-03. Review status: no assertion criteria provided. Collection method: clinical testing. Allele origin: germline. Not counted in ClinVar's aggregate classification.